The following is an entry in ClinVar:

NM_000883.4(IMPDH1):c.1243A>C (p.Ile415Leu)

Gene: IMPDH1 (inosine monophosphate dehydrogenase 1; minus strand). Cytogenetic location: 7q32.1.
Variant type: single nucleotide variant.
Coding change: c.1243A>C on transcript NM_000883.4 (MANE Select); coding-DNA position 1243, A replaced by C.
Protein change: p.Ile415Leu; replaces isoleucine 415 with leucine.
Molecular consequence: missense variant.
Genome position (GRCh38, 1-based): chr7:128,396,618, T>G on the plus strand (A>C on the coding strand, the complement: IMPDH1 is on the minus strand). VCF-style: chr7-128396618-T-G. GRCh37 (hg19) VCF-style: chr7-128036672-T-G.
Other names: c.1213A>C, p.Ile405Leu (NM_001102605.2); c.988A>C, p.Ile330Leu (NM_001142573.2); c.973A>C, p.Ile325Leu (NM_001142574.2); c.913A>C, p.Ile305Leu (NM_001142575.2); c.1144A>C, p.Ile382Leu (NM_001142576.2); c.1036A>C, p.Ile346Leu (NM_001304521.2); c.1135A>C, p.Ile379Leu (NM_183243.3); short protein forms I379L, I346L, I325L, I330L, I405L, I415L, I305L, I382L.
Identifiers: ClinVar variation 1444415 (VCV001444415.6), dbSNP rs2116619043, ClinGen allele CA369164966.

ClinVar aggregate classification (germline): Uncertain significance (1 of 4 stars; one submission).

Submission:

Labcorp Genetics (formerly Invitae), Labcorp
Classification: Uncertain significance. Last evaluated: 2021-10-03. Review status: criteria provided, single submitter. Criteria: Invitae Variant Classification Sherloc (09022015). Collection method: clinical testing. Allele origin: germline.
Comment: This sequence change replaces isoleucine with leucine at codon 415 of the IMPDH1 protein (p.Ile415Leu). The isoleucine residue is highly conserved and there is a small physicochemical difference between isoleucine and leucine. This variant is not present in population databases (ExAC no frequency). This missense change has been observed in individual(s) with cone-rod dystrophy (Invitae). Algorithms developed to predict the effect of missense changes on protein structure and function are either unavailable or do not agree on the potential impact of this missense change (SIFT: "Deleterious"; PolyPhen-2: "Possibly Damaging"; Align-GVGD: "Class C0"). In summary, the available evidence is currently insufficient to determine the role of this variant in disease. Therefore, it has been classified as a Variant of Uncertain Significance.